The following is an entry in ClinVar:

NM_022124.6(CDH23):c.5398G>A (p.Val1800Met)

Gene: CDH23 (cadherin related 23; plus strand). Cytogenetic location: 10q22.1.
Variant type: single nucleotide variant.
Coding change: c.5398G>A on transcript NM_022124.6 (MANE Select); coding-DNA position 5398, G replaced by A.
Protein change: p.Val1800Met; replaces valine 1800 with methionine.
Molecular consequence: missense variant.
Genome position (GRCh38, 1-based): chr10:71,784,316, G>A. VCF-style: chr10-71784316-G-A. GRCh37 (hg19) VCF-style: chr10-73544073-G-A.
Other names: short protein forms V1800M.
Identifiers: ClinVar variation 1514313 (VCV001514313.8), dbSNP rs762416396, ClinGen allele CA377144567.

ClinVar aggregate classification (germline): Uncertain significance (1 of 4 stars; one submission).

Submission:

Labcorp Genetics (formerly Invitae), Labcorp
Classification: Uncertain significance. Last evaluated: 2021-03-03. Review status: criteria provided, single submitter. Criteria: Invitae Variant Classification Sherloc (09022015). Collection method: clinical testing. Allele origin: germline.
Comment: This sequence change replaces valine with methionine at codon 1800 of the CDH23 protein (p.Val1800Met). The valine residue is moderately conserved and there is a small physicochemical difference between valine and methionine. This variant is not present in population databases (ExAC no frequency). In summary, the available evidence is currently insufficient to determine the role of this variant in disease. Therefore, it has been classified as a Variant of Uncertain Significance. Algorithms developed to predict the effect of missense changes on protein structure and function are either unavailable or do not agree on the potential impact of this missense change (SIFT: "Tolerated"; PolyPhen-2: "Not Available"; Align-GVGD: "Class C0"). This variant has not been reported in the literature in individuals with CDH23-related conditions.